The following is an entry in ClinVar:

NM_001277115.2(DNAH11):c.7904_7914+645del

Gene: DNAH11 (dynein axonemal heavy chain 11; plus strand). Cytogenetic location: 7p15.3.
Variant type: Deletion.
Coding change: c.7904_7914+645del on transcript NM_001277115.2 (MANE Select); coding-DNA position 7904 through 645 bases into the intron after coding-DNA position 7914, 656 bases deleted.
Molecular consequence: splice donor variant.
Genome position (GRCh38, 1-based): chr7:21,739,663-21,740,318, 656 bases deleted. GRCh37 (hg19): chr7:21,779,281-21,779,936.
Identifiers: ClinVar variation 851573 (VCV000851573.1), dbSNP rs1785786687, ClinGen allele CA916082918.

ClinVar aggregate classification (germline): Likely pathogenic (1 of 4 stars; one submission).

Conditions:
Primary ciliary dyskinesia. Also called: Ciliary dyskinesia. Identifiers: Orphanet 244, MedGen C0008780, MONDO:0016575, HP:0012265.

Submission:

Labcorp Genetics (formerly Invitae), Labcorp
Classification: Likely pathogenic for Primary ciliary dyskinesia. Last evaluated: 2019-02-01. Review status: criteria provided, single submitter. Criteria: Invitae Variant Classification Sherloc (09022015). Collection method: clinical testing. Allele origin: germline.
Comment: This variant is a gross deletion of the genomic region encompassing part of exon 48 and part of intron 48 (c.7926_7936+645del) of the DNAH11 gene. It is expected to disrupt RNA splicing and likely results in an absent or disrupted protein product. This variant has not been reported in the literature in individuals with DNAH11-related disease. Loss-of-function variants in DNAH11 are known to be pathogenic (PMID: 18022865, 20513915, 22184204). In summary, the currently available evidence indicates that the variant is pathogenic, but additional data are needed to prove that conclusively. Therefore, this variant has been classified as Likely Pathogenic.